The following is an entry in ClinVar:

NM_005159.5(ACTC1):c.362T>A (p.Met121Lys)

Genes: ACTC1 (actin alpha cardiac muscle 1; minus strand), GJD2-DT (GJD2 divergent transcript; plus strand). Cytogenetic location: 15q14.
Variant type: single nucleotide variant.
Coding change: c.362T>A on transcript NM_005159.5 (MANE Select); coding-DNA position 362, T replaced by A.
Protein change: p.Met121Lys; replaces methionine 121 with lysine.
Molecular consequence: missense variant. On other transcripts: 5 prime UTR variant (1).
Genome position (GRCh38, 1-based): chr15:34,793,337, A>T on the plus strand (T>A on the coding strand, the complement: ACTC1 is on the minus strand). VCF-style: chr15-34793337-A-T. GRCh37 (hg19) VCF-style: chr15-35085538-A-T.
Other names: c.362T>A, p.Met121Lys (NM_001406482.1, NM_001406483.1); c.227T>A, p.Met76Lys (NM_001406484.1); c.-27T>A (NM_001406485.1); short protein forms M76K, M121K.
Identifiers: ClinVar variation 5032381 (VCV005032381.1).

ClinVar aggregate classification (germline): Uncertain significance (1 of 4 stars; one submission).

Conditions:
Cardiovascular phenotype. Identifiers: MedGen CN230736.

Submission:

Ambry Genetics
Classification: Uncertain significance for Cardiovascular phenotype. Last evaluated: 2026-07-11. Review status: criteria provided, single submitter. Criteria: Ambry Variant Classification Scheme 2023. Collection method: clinical testing. Allele origin: germline.
Comment: The p.M121K variant (also known as c.362T>A), located in coding exon 2 of the ACTC1 gene, results from a T to A substitution at nucleotide position 362. The methionine at codon 121 is replaced by lysine, an amino acid with similar properties. This amino acid position is conserved. In addition, this alteration is predicted to be deleterious by in silico analysis. Based on the available evidence, the clinical significance of this variant remains unclear.